The following is an entry in ClinVar:

NM_006015.6(ARID1A):c.674C>T (p.Pro225Leu)

Genes: ARID1A (AT-rich interaction domain 1A; plus strand), LOC129929837 (ATAC-STARR-seq lymphoblastoid silent region 489; plus strand). Cytogenetic location: 1p36.11.
Variant type: single nucleotide variant.
Coding change: c.674C>T on transcript NM_006015.6 (MANE Select); coding-DNA position 674, C replaced by T.
Protein change: p.Pro225Leu; replaces proline 225 with leucine.
Molecular consequence: missense variant.
Genome position (GRCh38, 1-based): chr1:26,697,077, C>T. VCF-style: chr1-26697077-C-T. GRCh37 (hg19) VCF-style: chr1-27023568-C-T.
Other names: c.674C>T, p.Pro225Leu (NM_139135.4); short protein forms P225L.
Identifiers: ClinVar variation 4765069 (VCV004765069.1).
Genomic context (GRCh38, chr1:26,697,077, plus strand): 5'-ACGGCTTCCCCAACCACCAGTACAACTCCTACTACCCCAACCGCAGCGCCTACCCCCCGC[C>T]CGCCCCGGCCTACGCGCTGAGCTCCCCGAGAGGTGGCACTCCGGGCTCCGGCGCGGCGGC-3'
Protein context (NP_006006.3, residues 215-235): YYPNRSAYPP[Pro225Leu]APAYALSSPR

ClinVar aggregate classification (germline): Uncertain significance (1 of 4 stars; one submission).

Submission:

Labcorp Genetics (formerly Invitae), Labcorp
Classification: Uncertain significance. Last evaluated: 2025-10-28. Review status: criteria provided, single submitter. Criteria: Invitae Variant Classification Sherloc (09022015). Collection method: clinical testing. Allele origin: germline.
Comment: This sequence change replaces proline, which is neutral and non-polar, with leucine, which is neutral and non-polar, at codon 225 of the ARID1A protein (p.Pro225Leu). This variant is not present in population databases (gnomAD no frequency). This variant has not been reported in the literature in individuals affected with ARID1A-related conditions. Invitae Evidence Modeling of protein sequence and biophysical properties (such as structural, functional, and spatial information, amino acid conservation, physicochemical variation, residue mobility, and thermodynamic stability) indicates that this missense variant is not expected to disrupt ARID1A protein function with a negative predictive value of 95%. In summary, the available evidence is currently insufficient to determine the role of this variant in disease. Therefore, it has been classified as a Variant of Uncertain Significance.